The following is an entry in ClinVar:

NM_000057.4(BLM):c.3247A>C (p.Ser1083Arg)

Gene: BLM (BLM RecQ like helicase; plus strand). Cytogenetic location: 15q26.1.
Variant type: single nucleotide variant.
Coding change: c.3247A>C on transcript NM_000057.4 (MANE Select); coding-DNA position 3247, A replaced by C.
Protein change: p.Ser1083Arg; replaces serine 1083 with arginine.
Molecular consequence: missense variant.
Genome position (GRCh38, 1-based): chr15:90,798,226, A>C. VCF-style: chr15-90798226-A-C. GRCh37 (hg19) VCF-style: chr15-91341456-A-C.
Other names: c.3247A>C, p.Ser1083Arg (NM_001287246.2, NM_001287247.2); c.2122A>C, p.Ser708Arg (NM_001287248.2); c.3247A>C (NM_000057.2); short protein forms S1083R, S708R.
Identifiers: ClinVar variation 1471381 (VCV001471381.9), dbSNP rs2151190310, ClinGen allele CA393847175.

ClinVar aggregate classification (germline): Uncertain significance. Review status: criteria provided, multiple submitters, no conflicts (2 of 4 stars). 2 submissions from 2 submitters: Uncertain significance (2). Last evaluated 2026-03-14.

Conditions:
Bloom syndrome (BLM). Also called: Bloom-Torre-Machacek syndrome. Identifiers: Orphanet 125, MedGen C0005859, MONDO:0008876, OMIM 210900.
Hereditary cancer-predisposing syndrome. Also called: Neoplastic Syndromes, Hereditary; Tumor predisposition; Hereditary Cancer Syndrome; Hereditary neoplastic syndrome. Identifiers: Orphanet 140162, MedGen C0027672, MeSH D009386, MONDO:0015356.

Submissions (2):

Ambry Genetics
Classification: Uncertain significance for Hereditary cancer-predisposing syndrome. Last evaluated: 2026-03-14. Review status: criteria provided, single submitter. Criteria: Ambry Variant Classification Scheme 2023. Collection method: clinical testing. Allele origin: germline.
Comment: The p.S1083R variant (also known as c.3247A>C), located in coding exon 16 of the BLM gene, results from an A to C substitution at nucleotide position 3247. The serine at codon 1083 is replaced by arginine, an amino acid with dissimilar properties. This amino acid position is conserved. In addition, this alteration is predicted to be tolerated by in silico analysis. Based on the available evidence, the clinical significance of this variant remains unclear.

Labcorp Genetics (formerly Invitae), Labcorp
Classification: Uncertain significance for Bloom syndrome. Last evaluated: 2021-04-27. Review status: criteria provided, single submitter. Criteria: Invitae Variant Classification Sherloc (09022015). Collection method: clinical testing. Allele origin: germline.
Comment: In summary, the available evidence is currently insufficient to determine the role of this variant in disease. Therefore, it has been classified as a Variant of Uncertain Significance. Algorithms developed to predict the effect of missense changes on protein structure and function (SIFT, PolyPhen-2, Align-GVGD) all suggest that this variant is likely to be tolerated, but these predictions have not been confirmed by published functional studies and their clinical significance is uncertain. This variant has not been reported in the literature in individuals with BLM-related conditions. This variant is not present in population databases (ExAC no frequency). This sequence change replaces serine with arginine at codon 1083 of the BLM protein (p.Ser1083Arg). The serine residue is weakly conserved and there is a moderate physicochemical difference between serine and arginine.